The following is an entry in ClinVar:

NM_014639.4(SKIC3):c.2125C>T (p.His709Tyr)

Gene: SKIC3 (SKI3 subunit of superkiller complex; minus strand). Cytogenetic location: 5q15.
Variant type: single nucleotide variant.
Coding change: c.2125C>T on transcript NM_014639.4 (MANE Select); coding-DNA position 2125, C replaced by T.
Protein change: p.His709Tyr; replaces histidine 709 with tyrosine.
Molecular consequence: missense variant.
Genome position (GRCh38, 1-based): chr5:95,517,312, G>A on the plus strand (C>T on the coding strand, the complement: SKIC3 is on the minus strand). VCF-style: chr5-95517312-G-A. GRCh37 (hg19) VCF-style: chr5-94853016-G-A.
Other names: short protein forms H709Y.
Identifiers: ClinVar variation 1030340 (VCV001030340.7), dbSNP rs140117667, ClinGen allele CA3347145.

ClinVar aggregate classification (germline): Uncertain significance. Review status: criteria provided, multiple submitters, no conflicts (2 of 4 stars). 4 submissions from 4 submitters: Uncertain significance (4). Last evaluated 2022-09-13.

Conditions:
Trichohepatoenteric syndrome 1 (THES1). Also called: DIARRHEA, FATAL INFANTILE, WITH TRICHORRHEXIS NODOSA. Identifiers: Orphanet 84064, MedGen C4551982, MONDO:0024541, OMIM 222470.
Inborn genetic diseases. Identifiers: MedGen C0950123, MeSH D030342.

Allele frequency attached by ClinVar (database versions not stated): ExAC 0.00015; ESP Exome Variant Server 0.00015; gnomAD 0.00018; TOPMed 0.00018; 1000 Genomes Project 0.00020; 1000 Genomes Project 30x 0.00031.
gnomAD v4.1: 540 of 1,612,742 alleles (0.033%); highest among the groups gnomAD compares: South Asian, 0.049%; 1 homozygote.

Submissions (4):

Labcorp Genetics (formerly Invitae), Labcorp
Classification: Uncertain significance. Last evaluated: 2022-09-13. Review status: criteria provided, single submitter. Criteria: Invitae Variant Classification Sherloc (09022015). Collection method: clinical testing. Allele origin: germline.
Comment: This sequence change replaces histidine, which is basic and polar, with tyrosine, which is neutral and polar, at codon 709 of the TTC37 protein (p.His709Tyr). This variant is present in population databases (rs140117667, gnomAD 0.04%). This variant has not been reported in the literature in individuals affected with TTC37-related conditions. ClinVar contains an entry for this variant (Variation ID: 1030340). Algorithms developed to predict the effect of missense changes on protein structure and function output the following: SIFT: "Tolerated"; PolyPhen-2: "Benign"; Align-GVGD: "Class C0". The tyrosine amino acid residue is found in multiple mammalian species, which suggests that this missense change does not adversely affect protein function. In summary, the available evidence is currently insufficient to determine the role of this variant in disease. Therefore, it has been classified as a Variant of Uncertain Significance.

Ambry Genetics
Classification: Uncertain significance for Inborn genetic diseases. Last evaluated: 2021-07-14. Review status: criteria provided, single submitter. Criteria: Ambry Variant Classification Scheme 2023. Collection method: clinical testing. Allele origin: germline.

Baylor Genetics
Classification: Uncertain significance for Trichohepatoenteric syndrome 1. Last evaluated: 2020-12-02. Review status: criteria provided, single submitter. Criteria: ACMG Guidelines, 2015. Collection method: clinical testing. Allele origin: paternal. Affected: yes.
Comment: This variant was determined to be of uncertain significance according to ACMG Guidelines, 2015 [PMID:25741868].

Revvity Omics, Revvity
Classification: Uncertain significance for Trichohepatoenteric syndrome 1. Last evaluated: 2019-02-05. Review status: criteria provided, single submitter. Criteria: ACMG Guidelines, 2015. Collection method: clinical testing. Allele origin: germline.